The following is an entry in ClinVar:

ClinVar aggregate classification (germline): Uncertain significance. Review status: criteria provided, multiple submitters, no conflicts (2 of 4 stars). 2 submissions from 2 submitters: Uncertain significance (2). Last evaluated 2025-01-31.

Submissions (2):

Ambry Genetics
Classification: Uncertain significance. Last evaluated: 2025-01-31. Review status: criteria provided, single submitter. Criteria: Ambry Variant Classification Scheme 2023. Collection method: clinical testing. Allele origin: germline.
Comment: The p.D48V variant (also known as c.143A>T), located in coding exon 3 of the RINT1 gene, results from an A to T substitution at nucleotide position 143. The aspartic acid at codon 48 is replaced by valine, an amino acid with highly dissimilar properties. This amino acid position is conserved. In addition, this alteration is predicted to be tolerated by in silico analysis. Based on the available evidence, the clinical significance of this variant remains unclear.

Labcorp Genetics (formerly Invitae), Labcorp
Classification: Uncertain significance. Last evaluated: 2024-03-08. Review status: criteria provided, single submitter. Criteria: Invitae Variant Classification Sherloc (09022015). Collection method: clinical testing. Allele origin: germline.
Comment: This sequence change replaces aspartic acid, which is acidic and polar, with valine, which is neutral and non-polar, at codon 48 of the RINT1 protein (p.Asp48Val). This variant is not present in population databases (gnomAD no frequency). This variant has not been reported in the literature in individuals affected with RINT1-related conditions. An algorithm developed to predict the effect of missense changes on protein structure and function (PolyPhen-2) suggests that this variant is likely to be tolerated. In summary, the available evidence is currently insufficient to determine the role of this variant in disease. Therefore, it has been classified as a Variant of Uncertain Significance.

NM_021930.6(RINT1):c.143A>T (p.Asp48Val)

Gene: RINT1 (RAD50 interactor 1; plus strand). Cytogenetic location: 7q22.3.
Variant type: single nucleotide variant.
Coding change: c.143A>T on transcript NM_021930.6 (MANE Select); coding-DNA position 143, A replaced by T.
Protein change: p.Asp48Val; replaces aspartic acid 48 with valine.
Molecular consequence: missense variant. On other transcripts: 5 prime UTR variant (3), non-coding transcript variant (1), intron variant (1).
Genome position (GRCh38, 1-based): chr7:105,536,619, A>T. VCF-style: chr7-105536619-A-T. GRCh37 (hg19) VCF-style: chr7-105177066-A-T.
Other names: c.143A>T (NM_021930.4); c.-877A>T (NM_001346600.2); c.-780A>T (NM_001346601.2); c.-400A>T (NM_001346603.2); c.39+7A>T (NM_001346599.2); short protein forms D48V.
Identifiers: ClinVar variation 3666208 (VCV003666208.3).